The following is an entry in ClinVar:

NM_133379.5(TTN):c.13153G>T (p.Asp4385Tyr)

Gene: TTN (titin; minus strand). Cytogenetic location: 2q31.2.
Variant type: single nucleotide variant.
Coding change: c.13153G>T on transcript NM_133379.5; coding-DNA position 13153, G replaced by T.
Protein change: p.Asp4385Tyr; replaces aspartic acid 4385 with tyrosine.
Molecular consequence: missense variant. On other transcripts: intron variant (6).
Genome position (GRCh38, 1-based): chr2:178,749,247, C>A on the plus strand (G>T on the coding strand, the complement: TTN is on the minus strand). VCF-style: chr2-178749247-C-A. GRCh37 (hg19) VCF-style: chr2-179613974-C-A.
Other names: p.D4385Y:GAT>TAT; c.13153G>T (NM_133379.4); c.10222+3877G>T (NM_003319.4); c.10798+3877G>T (NM_133437.4); c.10597+3877G>T (NM_133432.3); c.10360+3877G>T (NM_133378.4, NM_001256850.1); c.11311+3877G>T (NM_001267550.2); short protein forms D4385Y.
Identifiers: ClinVar variation 203195 (VCV000203195.6), dbSNP rs374639358, ClinGen allele CA311644.

ClinVar aggregate classification (germline): Conflicting classifications of pathogenicity. Review status: criteria provided, conflicting classifications (1 of 4 stars). 5 submissions from 5 submitters: Uncertain significance (3); Likely benign (2). Last evaluated 2026-02-02.

Conditions:
TTN-related disorder. Also called: TTN-related condition; TTN-related disease; TTN-related disorders.
Early-onset myopathy with fatal cardiomyopathy (CMYO5). Also called: Salih Myopathy; CONGENITAL MYOPATHY 5 WITH CARDIOMYOPATHY. Identifiers: Orphanet 289377, MedGen C2673677, MONDO:0012714, OMIM 611705. Disease mechanism: loss of function.
Dilated cardiomyopathy 1G (CMD1G). Identifiers: Orphanet 154, MedGen C1858763, MONDO:0011400, OMIM 604145.
Autosomal recessive limb-girdle muscular dystrophy type 2J (LGMDR10). Also called: Limb-girdle muscular dystrophy, type 2J; MUSCULAR DYSTROPHY, LIMB-GIRDLE, AUTOSOMAL RECESSIVE 10. Identifiers: Orphanet 140922, MedGen C1837342, MONDO:0012127, OMIM 608807.
Tibial muscular dystrophy (TMD). Also called: Tibial muscular dystrophy, tardive; Udd Distal Myopathy – Tibial Muscular Dystrophy; UDD MYOPATHY. Identifiers: Orphanet 609, MedGen C1838244, MONDO:0010870, OMIM 600334.
Myopathy, myofibrillar, 9, with early respiratory failure (MFM9). Also called: Myopathy, distal, with early respiratory failure, autosomal dominant; MYOPATHY, PROXIMAL, WITH EARLY RESPIRATORY MUSCLE INVOLVEMENT; Hereditary myopathy with early respiratory failure; EDSTROM MYOPATHY. Identifiers: Orphanet 178464, Orphanet 34521, MedGen C1863599, MONDO:0011362, OMIM 603689.
Hypertrophic cardiomyopathy 9. Also called: Familial hypertrophic cardiomyopathy 9. Identifiers: MedGen C1861065, MONDO:0013412, OMIM 613765.

Allele frequency attached by ClinVar (database versions not stated): gnomAD 0.00003 and 0.00004; TOPMed 0.00003; gnomAD exomes 0.00004 and 0.00006; ExAC 0.00005; ESP Exome Variant Server 0.00008.
gnomAD v4.1: 92 of 1,611,610 alleles (0.0057%); highest among the groups gnomAD compares: African/African-American, 0.011%; no homozygotes.

Submissions (5):

PreventionGenetics, part of Exact Sciences
Classification: Uncertain significance for TTN-related condition. Last evaluated: 2026-02-02. Review status: criteria provided, single submitter. Criteria: ACMG Guidelines, 2015. Collection method: clinical testing. Allele origin: germline.
Comment: The TTN c.11311+3877G>T variant is predicted to interfere with splicing. This variant is also referred to as c.13153G>T (p.Asp4385Tyr) in the Novex-3 transcript NM_133379. This variant is located in exon 46 of the Novex-3 transcript (minor small cardiac isoform) which is the last exon of this transcript. This exon is not included in any other TTN transcripts (principle cardiac or skeletal muscle isoforms). To our knowledge, this variant has not been reported in the literature in individuals with TTN-related disorders. This variant is reported in 0.0070% of alleles in individuals of European (Non-Finnish) descent in gnomAD. At this time, the clinical significance of this variant is uncertain due to the absence of conclusive functional and genetic evidence.

Molecular Diagnostic Laboratory for Inherited Cardiovascular Disease, Montreal Heart Institute
Classification: Likely benign. Last evaluated: 2025-04-09. Review status: criteria provided, single submitter. Criteria: ACMG Guidelines, 2015. Collection method: clinical testing. Allele origin: germline. Affected: no.

Blueprint Genetics
Classification: Likely benign. Last evaluated: 2023-11-14. Review status: criteria provided, single submitter. Criteria: ACMG Guidelines, 2015. Collection method: clinical testing. Allele origin: germline.

Fulgent Genetics
Classification: Uncertain significance for Tibial muscular dystrophy; Myopathy, myofibrillar, 9, with early respiratory failure; Dilated cardiomyopathy 1G; Autosomal recessive limb-girdle muscular dystrophy type 2J; Early-onset myopathy with fatal cardiomyopathy; Hypertrophic cardiomyopathy 9. Last evaluated: 2021-09-14. Review status: criteria provided, single submitter. Criteria: ACMG Guidelines, 2015. Collection method: clinical testing. Allele origin: unknown.

GeneDx
Classification: Uncertain significance. Last evaluated: 2015-05-06. Review status: criteria provided, single submitter. Criteria: GeneDx Variant Classification (06012015). Collection method: clinical testing. Allele origin: germline. Affected: yes.
Comment: Missense variants in the TTN gene are considered 'unclassified' if they are not previously reported in the literature and do not have >1% frequency in the population to be considered a polymorphism. Research indicates that truncating mutations in the TTN gene are expected to account for approximately 25% of familial and 18% of sporadic idiopathic DCM; however, truncating variants in the TTN gene have been reported in approximately 3% of reported control alleles. There has been little investigation into non-truncating variants. (Herman D et al. Truncations of titin causing dilated cardiomyopathy. N Eng J Med 366:619-628, 2012) The variant is found in DCM-CRDM panel(s).